The following is an entry in ClinVar:

NM_015450.3(POT1):c.290C>A (p.Thr97Asn)

Gene: POT1 (protection of telomeres 1; minus strand). Cytogenetic location: 7q31.33.
Variant type: single nucleotide variant.
Coding change: c.290C>A on transcript NM_015450.3 (MANE Select); coding-DNA position 290, C replaced by A.
Protein change: p.Thr97Asn; replaces threonine 97 with asparagine.
Molecular consequence: missense variant. On other transcripts: 5 prime UTR variant (1), non-coding transcript variant (3).
Genome position (GRCh38, 1-based): chr7:124,863,606, G>T on the plus strand (C>A on the coding strand, the complement: POT1 is on the minus strand). VCF-style: chr7-124863606-G-T. GRCh37 (hg19) VCF-style: chr7-124503660-G-T.
Other names: c.-104C>A (NM_001042594.2); short protein forms T97N.
Identifiers: ClinVar variation 821974 (VCV000821974.10), dbSNP rs1436205180, ClinGen allele CA369060373.

ClinVar aggregate classification (germline): Uncertain significance. Review status: criteria provided, multiple submitters, no conflicts (2 of 4 stars). 2 submissions from 2 submitters: Uncertain significance (2). Last evaluated 2025-03-17.

Conditions:
Tumor predisposition syndrome 3 (TPDS3). Also called: Glioma susceptibility 9; LONG TELOMERE SYNDROME, POT1-RELATED; POT1 Tumor Predisposition; Melanoma, cutaneous malignant, susceptibility to, 10. Identifiers: Orphanet 618, MedGen C4014476, MONDO:0014368, OMIM 615848.
Hereditary cancer-predisposing syndrome. Also called: Tumor predisposition; Hereditary Cancer Syndrome; Hereditary neoplastic syndrome; Neoplastic Syndromes, Hereditary. Identifiers: Orphanet 140162, MedGen C0027672, MeSH D009386, MONDO:0015356.

Allele frequency attached by ClinVar (database versions not stated): gnomAD 0.00001.
gnomAD v4.1: 2 of 1,613,392 alleles (0.00012%); highest among the groups gnomAD compares: Admixed American, 0.0017%; no homozygotes.

Submissions (2):

Labcorp Genetics (formerly Invitae), Labcorp
Classification: Uncertain significance for Tumor predisposition syndrome 3. Last evaluated: 2025-03-17. Review status: criteria provided, single submitter. Criteria: Invitae Variant Classification Sherloc (09022015). Collection method: clinical testing. Allele origin: germline.
Comment: This sequence change replaces threonine, which is neutral and polar, with asparagine, which is neutral and polar, at codon 97 of the POT1 protein (p.Thr97Asn). This variant is present in population databases (no rsID available, gnomAD 0.01%). This variant has not been reported in the literature in individuals affected with POT1-related conditions. ClinVar contains an entry for this variant (Variation ID: 821974). Invitae Evidence Modeling of protein sequence and biophysical properties (such as structural, functional, and spatial information, amino acid conservation, physicochemical variation, residue mobility, and thermodynamic stability) indicates that this missense variant is not expected to disrupt POT1 protein function with a negative predictive value of 80%. In summary, the available evidence is currently insufficient to determine the role of this variant in disease. Therefore, it has been classified as a Variant of Uncertain Significance.

Ambry Genetics
Classification: Uncertain significance for Hereditary cancer-predisposing syndrome. Last evaluated: 2019-03-18. Review status: criteria provided, single submitter. Criteria: Ambry Variant Classification Scheme 2023. Collection method: clinical testing. Allele origin: germline.
Comment: The p.T97N variant (also known as c.290C>A), located in coding exon 4 of the POT1 gene, results from a C to A substitution at nucleotide position 290. The threonine at codon 97 is replaced by asparagine, an amino acid with similar properties. This amino acid position is not well conserved in available vertebrate species. In addition, this alteration is predicted to be tolerated by in silico analysis. Since supporting evidence is limited at this time, the clinical significance of this alteration remains unclear.